The following is an entry in ClinVar:

ClinVar aggregate classification (germline): Uncertain significance (1 of 4 stars; one submission).

gnomAD v4.1: 10 of 1,274,022 alleles (0.00078%); highest among the groups gnomAD compares: Non-Finnish European, 0.00099%; no homozygotes.

Submission:

Labcorp Genetics (formerly Invitae), Labcorp
Classification: Uncertain significance. Last evaluated: 2025-07-14. Review status: criteria provided, single submitter. Criteria: Invitae Variant Classification Sherloc (09022015). Collection method: clinical testing. Allele origin: germline.
Comment: This sequence change replaces valine, which is neutral and non-polar, with leucine, which is neutral and non-polar, at codon 5 of the SUCLG2 protein (p.Val5Leu). The frequency data for this variant in the population databases is considered unreliable, as metrics indicate poor data quality at this position in the gnomAD database. This variant has not been reported in the literature in individuals affected with SUCLG2-related conditions. An algorithm developed to predict the effect of missense changes on protein structure and function outputs the following: PolyPhen-2: "Benign". The leucine amino acid residue is found in multiple mammalian species, which suggests that this missense change does not adversely affect protein function. In summary, the available evidence is currently insufficient to determine the role of this variant in disease. Therefore, it has been classified as a Variant of Uncertain Significance.

NM_003848.4(SUCLG2):c.13G>C (p.Val5Leu)

Gene: SUCLG2 (succinate-CoA ligase GDP-forming subunit beta; minus strand). Cytogenetic location: 3p14.1.
Variant type: single nucleotide variant.
Coding change: c.13G>C on transcript NM_003848.4 (MANE Select); coding-DNA position 13, G replaced by C.
Protein change: p.Val5Leu; replaces valine 5 with leucine.
Molecular consequence: missense variant.
Genome position (GRCh38, 1-based): chr3:67,654,574, C>G on the plus strand (G>C on the coding strand, the complement: SUCLG2 is on the minus strand). VCF-style: chr3-67654574-C-G. GRCh37 (hg19) VCF-style: chr3-67704998-C-G.
Other names: c.13G>C, p.Val5Leu (NM_001177599.2); short protein forms V5L.
Identifiers: ClinVar variation 4752919 (VCV004752919.1).
Genomic context (GRCh38, chr3:67,654,574, plus strand): 5'-CCGCCAGGAAGCGGGGCCGCAGCGCTAGGGCTCGCAGAAGCTTCCCGGCCTGCGCTGCTA[C>G]GGGGGACGCCATCTTAAACAGGAAACTCGGCACGGGGCAGTAGGGCGGGCGCGGGCAGGG-3'
Protein context (NP_003839.2, residues 1-15): MASP[Val5Leu]AAQAGKLLRA